The following is an entry in ClinVar:

ClinVar aggregate classification (germline): Uncertain significance (1 of 4 stars; one submission).

Conditions:
Familial thoracic aortic aneurysm and aortic dissection (TAAD). Also called: Thoracic aortic aneurysms and dissections. Identifiers: Orphanet 91387, MedGen C4707243, MONDO:0019625.

gnomAD v4.1: 9 of 1,614,168 alleles (0.00056%); highest among the groups gnomAD compares: East Asian, 0.013%; no homozygotes.

Submission:

Ambry Genetics
Classification: Uncertain significance for Familial thoracic aortic aneurysm and aortic dissection. Last evaluated: 2024-03-30. Review status: criteria provided, single submitter. Criteria: Ambry Variant Classification Scheme 2023. Collection method: clinical testing. Allele origin: germline.
Comment: The p.P414L variant (also known as c.1241C>T), located in coding exon 7 of the MYLK gene, results from a C to T substitution at nucleotide position 1241. The proline at codon 414 is replaced by leucine, an amino acid with similar properties. This amino acid position is conserved. In addition, this alteration is predicted to be deleterious by in silico analysis. Based on the available evidence, the clinical significance of this alteration remains unclear.

NM_053025.4(MYLK):c.1241C>T (p.Pro414Leu)

Gene: MYLK (myosin light chain kinase; minus strand). Cytogenetic location: 3q21.1.
Variant type: single nucleotide variant.
Coding change: c.1241C>T on transcript NM_053025.4 (MANE Select); coding-DNA position 1241, C replaced by T.
Protein change: p.Pro414Leu; replaces proline 414 with leucine.
Molecular consequence: missense variant.
Genome position (GRCh38, 1-based): chr3:123,733,755, G>A on the plus strand (C>T on the coding strand, the complement: MYLK is on the minus strand). VCF-style: chr3-123733755-G-A. GRCh37 (hg19) VCF-style: chr3-123452602-G-A.
Other names: c.713C>T, p.Pro238Leu (NM_001321309.2); c.1241C>T, p.Pro414Leu (NM_053026.4, NM_053027.4, NM_053028.4); short protein forms P414L, P238L.
Identifiers: ClinVar variation 3297596 (VCV003297596.1).